The following is an entry in ClinVar:

ClinVar aggregate classification (germline): Likely benign (1 of 4 stars; one submission).

Allele frequency attached by ClinVar (database versions not stated): gnomAD 0.00265.
gnomAD v4.1: 345 of 130,734 alleles (0.26%); highest among the groups gnomAD compares: African/African-American, 0.88%; 7 homozygotes.

Submission:

CeGaT Center for Human Genetics Tuebingen
Classification: Likely benign. Last evaluated: 2023-12-01. Review status: criteria provided, single submitter. Criteria: CeGaT Center For Human Genetics Tuebingen Variant Classification Criteria Version 2. Collection method: clinical testing. Allele origin: germline. Affected: yes. Observed: 3 variant alleles.
Comment: GRTP1: BS2

NM_024719.4(GRTP1):c.466-1217C>T

Gene: GRTP1 (growth hormone regulated TBC protein 1; minus strand). Cytogenetic location: 13q34.
Variant type: single nucleotide variant.
Coding change: c.466-1217C>T on transcript NM_024719.4 (MANE Select); 1217 bases into the intron before coding-DNA position 466, C replaced by T.
Molecular consequence: intron variant.
Genome position (GRCh38, 1-based): chr13:113,346,176, G>A on the plus strand (C>T on the coding strand, the complement: GRTP1 is on the minus strand). VCF-style: chr13-113346176-G-A. GRCh37 (hg19) VCF-style: chr13-114000491-G-A.
Other names: c.466-1217C>T (NM_001286733.1, NM_001286732.2); c.232-1217C>T (NM_001411029.1).
Identifiers: ClinVar variation 2643985 (VCV002643985.24), dbSNP rs1208297502, ClinGen allele CA612715159.